The following is an entry in ClinVar:

ClinVar aggregate classification (germline): Pathogenic/Likely pathogenic. Review status: criteria provided, multiple submitters, no conflicts (2 of 4 stars). 4 submissions from 4 submitters: Pathogenic (3); Likely pathogenic (1). Last evaluated 2025-03-17.

Conditions:
Schimke immuno-osseous dysplasia (SIOD). Also called: Schimke Immunoosseous Dysplasia. Identifiers: Orphanet 1830, MedGen C0877024, MONDO:0009458, OMIM 242900.

Allele frequency attached by ClinVar (database versions not stated): gnomAD exomes below 0.00001; TOPMed below 0.00001; gnomAD 0.00001.

Submissions (4):

Natera, Inc.
Classification: Pathogenic for Schimke immuno-osseous dysplasia. Last evaluated: 2025-03-17. Review status: criteria provided, single submitter. Criteria: Natera Variant Classification Schema (03/2026). Collection method: clinical testing. Allele origin: germline.
Comment: The c.1191delG variant in SMARCAL1 is a frameshift variant predicted to shift the reading frame beginning at codon 399 and leads to a stop codon 38 codons downstream. This variant is expected to result in nonsense mediated decay, truncation, or a dysfunctional protein product. This variant is rare in the general population with a frequency below the threshold expected for the associated phenotype(s). This variant has been observed in one or more individuals affected with the associated recessive disease, as either homozygous or compound heterozygous with a second variant (PMID: 22998683). Given the available evidence, this variant is classified as Pathogenic.

Labcorp Genetics (formerly Invitae), Labcorp
Classification: Pathogenic for Schimke immuno-osseous dysplasia. Last evaluated: 2025-01-08. Review status: criteria provided, single submitter. Criteria: Invitae Variant Classification Sherloc (09022015). Collection method: clinical testing. Allele origin: germline.
Comment: This sequence change creates a premature translational stop signal (p.Thr399Argfs*38) in the SMARCAL1 gene. It is expected to result in an absent or disrupted protein product. Loss-of-function variants in SMARCAL1 are known to be pathogenic (PMID: 11799392, 20301550). This variant is not present in population databases (gnomAD no frequency). This premature translational stop signal has been observed in individual(s) with Schimke immunoosseous dysplasia (PMID: 11799392). In at least one individual the data is consistent with being in trans (on the opposite chromosome) from a pathogenic variant. This variant is also known as L397fsX40. ClinVar contains an entry for this variant (Variation ID: 1073209). For these reasons, this variant has been classified as Pathogenic.

Fulgent Genetics
Classification: Likely pathogenic for Schimke immuno-osseous dysplasia. Last evaluated: 2024-06-20. Review status: criteria provided, single submitter. Criteria: ACMG Guidelines, 2015. Collection method: clinical testing. Allele origin: germline.

Laboratorio de Genetica e Diagnostico Molecular, Hospital Israelita Albert Einstein
Classification: Pathogenic. Last evaluated: 2020-03-27. Review status: criteria provided, single submitter. Criteria: ACMG Guidelines, 2015. Collection method: clinical testing. Allele origin: germline. Affected: yes.
Comment: ACMG classification criteria: PVS1, PM2

Literature cited by the submitters: PubMed 22998683 (cited by Natera, Inc.); PubMed 11799392 (cited by Labcorp Genetics (formerly Invitae), Labcorp); PubMed 20301550 (cited by Labcorp Genetics (formerly Invitae), Labcorp).

NM_014140.4(SMARCAL1):c.1191del (p.Thr399fs)

Gene: SMARCAL1 (SNF2 related chromatin remodeling annealing helicase 1; plus strand). Cytogenetic location: 2q35.
Variant type: Deletion.
Coding change: c.1191del on transcript NM_014140.4 (MANE Select); coding-DNA position 1191, one base deleted (G; older notation c.1191delG).
Protein change: p.Thr399fs; shifts the reading frame from threonine 399.
Molecular consequence: frameshift variant.
Genome position (GRCh38, 1-based): chr2:216,428,639, G deleted. VCF-style (leftmost placement, unchanged base first): chr2-216428638-TG-T. GRCh37 (hg19) VCF-style: chr2-217293361-TG-T.
Other names: c.1191delG (NM_014140.3, NM_001127207.2); c.1191del, p.Thr399fs (NM_001127207.2); short protein forms T399fs.
Identifiers: ClinVar variation 1073209 (VCV001073209.16), dbSNP rs956223874, ClinGen allele CA65592090.